The following is an entry in ClinVar:

NM_025103.4(IFT74):c.34C>G (p.Pro12Ala)

Gene: IFT74 (intraflagellar transport 74; plus strand). Cytogenetic location: 9p21.2.
Variant type: single nucleotide variant.
Coding change: c.34C>G on transcript NM_025103.4 (MANE Select); coding-DNA position 34, C replaced by G.
Protein change: p.Pro12Ala; replaces proline 12 with alanine.
Molecular consequence: missense variant.
Genome position (GRCh38, 1-based): chr9:26,962,001, C>G. VCF-style: chr9-26962001-C-G. GRCh37 (hg19) VCF-style: chr9-26961999-C-G.
Other names: c.34C>G, p.Pro12Ala (NM_001099222.3, NM_001099223.3, NM_001099224.3 and 1 more transcripts); short protein forms P12A.
Identifiers: ClinVar variation 3345794 (VCV003345794.1).

ClinVar aggregate classification (germline): Uncertain significance (0 of 4 stars; one submission).

Conditions:
IFT74-related disorder. Also called: IFT74-related condition; IFT74-Related Disorders.

Submission:

PreventionGenetics, part of Exact Sciences
Classification: Uncertain significance for IFT74-related condition. Last evaluated: 2024-05-15. Review status: no assertion criteria provided. Collection method: clinical testing. Allele origin: germline.
Comment: The IFT74 c.34C>G variant is predicted to result in the amino acid substitution p.Pro12Ala. To our knowledge, this variant has not been reported in the literature or in a large population database, indicating this variant is rare. At this time, the clinical significance of this variant is uncertain due to the absence of conclusive functional and genetic evidence.